The following is an entry in ClinVar:

NM_015836.4(WARS2):c.525C>T (p.His175=)

Gene: WARS2 (tryptophanyl tRNA synthetase 2, mitochondrial; minus strand). Cytogenetic location: 1p12.
Variant type: single nucleotide variant.
Coding change: c.525C>T on transcript NM_015836.4 (MANE Select); coding-DNA position 525, C replaced by T.
Protein change: p.His175=; no amino-acid change (histidine 175 retained).
Molecular consequence: synonymous variant. On other transcripts: missense variant (1).
Genome position (GRCh38, 1-based): chr1:119,034,204, G>A on the plus strand (C>T on the coding strand, the complement: WARS2 is on the minus strand). VCF-style: chr1-119034204-G-A. GRCh37 (hg19) VCF-style: chr1-119576827-G-A.
Other names: c.525C>T (NM_015836.3); c.456C>T, p.His152= (NM_001378226.1, NM_001378227.1); c.354C>T, p.His118= (NM_001378228.1); c.267C>T, p.His89= (NM_001378229.1); c.243C>T, p.His81= (NM_001378230.1); c.439C>T, p.Arg147Cys (NM_001378231.1); c.525C>T, p.His175= (NM_201263.2); short protein forms R147C.
Identifiers: ClinVar variation 1579303 (VCV001579303.12), dbSNP rs199831668, ClinGen allele CA1035280.

ClinVar aggregate classification (germline): Likely benign. Review status: criteria provided, multiple submitters, no conflicts (2 of 4 stars). 4 submissions from 4 submitters: Likely benign (3). 1 of the submissions does not count toward it. Last evaluated 2025-12-12.

Conditions:
WARS2-related disorder. Also called: WARS2-related disorders; WARS2 related condition.

Allele frequency attached by ClinVar (database versions not stated): ESP Exome Variant Server 0.00008; TOPMed 0.00009; gnomAD exomes 0.00013 and 0.00020; 1000 Genomes Project 30x 0.00016; gnomAD 0.00017 and 0.00018; 1000 Genomes Project 0.00020; ExAC 0.00026.
gnomAD v4.1: 211 of 1,613,562 alleles (0.013%); highest among the groups gnomAD compares: Non-Finnish European, 0.014%; no homozygotes.

Submissions (4):

Labcorp Genetics (formerly Invitae), Labcorp
Classification: Likely benign. Last evaluated: 2025-12-12. Review status: criteria provided, single submitter. Criteria: Invitae Variant Classification Sherloc (09022015). Collection method: clinical testing. Allele origin: germline.

Blueprint Genetics
Classification: Likely benign. Last evaluated: 2024-11-13. Review status: criteria provided, single submitter. Criteria: ACMG Guidelines, 2015. Collection method: clinical testing. Allele origin: germline.

Breakthrough Genomics
Classification: Likely benign. Review status: criteria provided, single submitter. Criteria: ACMG Guidelines, 2015. Collection method: not provided. Allele origin: germline. Inheritance: Autosomal recessive inheritance. Affected: yes.

PreventionGenetics, part of Exact Sciences
Classification: Likely benign for WARS2-related condition. Last evaluated: 2020-03-20. Review status: no assertion criteria provided. Collection method: clinical testing. Allele origin: germline. Not counted in ClinVar's aggregate classification.
Comment: This variant is classified as likely benign based on ACMG/AMP sequence variant interpretation guidelines (Richards et al. 2015 PMID: 25741868, with internal and published modifications).